The following is an entry in ClinVar:

NM_181552.4(CUX1):c.2955G>A (p.Pro985=)

Gene: CUX1 (cut like homeobox 1; plus strand). Cytogenetic location: 7q22.1.
Variant type: single nucleotide variant.
Coding change: c.2955G>A on transcript NM_181552.4 (MANE Select); coding-DNA position 2955, G replaced by A.
Protein change: p.Pro985=; no amino-acid change (proline 985 retained).
Molecular consequence: synonymous variant. On other transcripts: intron variant (5).
Genome position (GRCh38, 1-based): chr7:102,204,438, G>A. VCF-style: chr7-102204438-G-A. GRCh37 (hg19) VCF-style: chr7-101847718-G-A.
Other names: c.2988G>A, p.Pro996= (NM_001202543.2); c.1255+8835G>A (NM_001913.5); c.1249+8835G>A (NM_181500.4); c.1117+8835G>A (NM_001202545.3); c.1207+8835G>A (NM_001202544.3); c.1138+8835G>A (NM_001202546.3).
Identifiers: ClinVar variation 4872594 (VCV004872594.2).
Genomic context (GRCh38, chr7:102,204,438, plus strand): 5'-GGTGCCACTCCAGGTGCTGGGCCTGTCCCAGGGCAGCGTCAGCGACATGCTGTCCCGACC[G>A]AAGCCATGGAGCAAGCTGACGCAGAAAGGCCGAGAACCCTTCATCCGGATGCAGCTCTGG-3'
Protein context (NP_853530.2, residues 975-995): QGSVSDMLSR[Pro985=]KPWSKLTQKG

ClinVar aggregate classification (germline): Likely benign (1 of 4 stars; one submission).

gnomAD v4.1: 28 of 1,613,582 alleles (0.0017%); highest among the groups gnomAD compares: Middle Eastern, 0.016%; no homozygotes.

Submission:

CeGaT Center for Human Genetics Tuebingen
Classification: Likely benign. Last evaluated: 2026-04-01. Review status: criteria provided, single submitter. Criteria: CeGaT Center For Human Genetics Tuebingen Variant Classification Criteria Version 2. Collection method: clinical testing. Allele origin: germline. Affected: yes. Observed: 1 variant allele.
Comment: CUX1: BP4, BP7